The following is an entry in ClinVar:

ClinVar aggregate classification (germline): Uncertain significance. Review status: criteria provided, multiple submitters, no conflicts (2 of 4 stars). 2 submissions from 2 submitters: Uncertain significance (2). Last evaluated 2026-07-07.

Conditions:
Hereditary cancer-predisposing syndrome. Also called: Neoplastic Syndromes, Hereditary; Tumor predisposition; Hereditary Cancer Syndrome; Hereditary neoplastic syndrome. Identifiers: Orphanet 140162, MedGen C0027672, MeSH D009386, MONDO:0015356.

Submissions (2):

Ambry Genetics
Classification: Uncertain significance for Hereditary cancer-predisposing syndrome. Last evaluated: 2026-07-07. Review status: criteria provided, single submitter. Criteria: Ambry Variant Classification Scheme 2023. Collection method: clinical testing. Allele origin: germline.
Comment: The p.T124A variant (also known as c.370A>G), located in coding exon 5 of the MAX gene, results from an A to G substitution at nucleotide position 370. The threonine at codon 124 is replaced by alanine, an amino acid with similar properties. This amino acid position is conserved. In addition, this alteration is predicted to be deleterious by in silico analysis. Based on the available evidence, the clinical significance of this variant remains unclear.

GeneDx
Classification: Uncertain significance. Last evaluated: 2025-03-26. Review status: criteria provided, single submitter. Criteria: GeneDx Variant Classification Process June 2021. Collection method: clinical testing. Allele origin: germline. Affected: yes.
Comment: Not observed at significant frequency in large population cohorts (gnomAD); In silico analysis supports that this missense variant has a deleterious effect on protein structure/function; Has not been previously published as pathogenic or benign to our knowledge

NM_002382.5(MAX):c.370A>G (p.Thr124Ala)

Gene: MAX (MYC associated transcriptional regulator X; minus strand). Cytogenetic location: 14q23.3.
Variant type: single nucleotide variant.
Coding change: c.370A>G on transcript NM_002382.5 (MANE Select); coding-DNA position 370, A replaced by G.
Protein change: p.Thr124Ala; replaces threonine 124 with alanine.
Molecular consequence: missense variant. On other transcripts: 3 prime UTR variant (12), non-coding transcript variant (7), intron variant (2).
Genome position (GRCh38, 1-based): chr14:65,076,589, T>C on the plus strand (A>G on the coding strand, the complement: MAX is on the minus strand). VCF-style: chr14-65076589-T-C. GRCh37 (hg19) VCF-style: chr14-65543307-T-C.
Other names: c.*159A>G (NM_001407103.1, NM_001407109.1, NM_001407110.1 and 4 more transcripts); c.*143A>G (NM_001407104.1, NM_001407108.1, NM_001407096.1 and 2 more transcripts); c.181A>G, p.Thr61Ala (NM_001407105.1, NM_001407106.1, NM_001407107.1 and 1 more transcripts); c.169A>G, p.Thr57Ala (NM_001407111.1, NM_001407112.1); c.343A>G, p.Thr115Ala (NM_145112.3, NM_001407095.1); c.144+17119A>G (NM_001271069.2); c.171+17119A>G (NM_197957.4); c.370A>G, p.Thr124Ala (NM_001407094.1); and 1 more; short protein forms T124A, T61A, T57A, T88A, T115A.
Identifiers: ClinVar variation 4088032 (VCV004088032.2).
Genomic context (GRCh38, chr14:65,076,589, plus strand): 5'-ACTCCGAGCTGGAGTCCGAGCCCCCATCGAAGGCAGAGATGGTGCTGCCCTTGGCGTTGG[T>C]GTAGAGGCTGTTGTCTGAGGAGGGGTAGTTGGTCTGCAGTTGGGCACTTGACCTCGCCTT-3'
Protein context (NP_002373.3, residues 114-134): NYPSSDNSLY[Thr124Ala]NAKGSTISAF